The following is an entry in ClinVar:

ClinVar aggregate classification (germline): Conflicting classifications of pathogenicity. Review status: criteria provided, conflicting classifications (1 of 4 stars). 7 submissions from 7 submitters: Uncertain significance (1); Benign (1); Likely benign (5). Last evaluated 2025-12-23.

Allele frequency attached by ClinVar (database versions not stated): gnomAD exomes 0.00014; ExAC 0.00017; 1000 Genomes Project 0.00040; 1000 Genomes Project 30x 0.00047; gnomAD 0.00068 and 0.00073; TOPMed 0.00074; ESP Exome Variant Server 0.00085.
gnomAD v4.1: 221 of 1,613,436 alleles (0.014%); highest among the groups gnomAD compares: African/African-American, 0.22%; no homozygotes.

Submissions (7):

Labcorp Genetics (formerly Invitae), Labcorp
Classification: Benign. Last evaluated: 2025-12-23. Review status: criteria provided, single submitter. Criteria: Invitae Variant Classification Sherloc (09022015). Collection method: clinical testing. Allele origin: germline.

Women's Health and Genetics/Laboratory Corporation of America, LabCorp
Classification: Likely benign. Last evaluated: 2025-10-20. Review status: criteria provided, single submitter. Criteria: LabCorp Variant Classification Summary - May 2015. Collection method: clinical testing. Allele origin: germline.

CeGaT Center for Human Genetics Tuebingen
Classification: Likely benign. Last evaluated: 2025-10-01. Review status: criteria provided, single submitter. Criteria: CeGaT Center For Human Genetics Tuebingen Variant Classification Criteria Version 2. Collection method: clinical testing. Allele origin: germline. Affected: yes. Observed: 2 variant alleles.
Comment: MYH9: BP4, BP7

Blueprint Genetics
Classification: Likely benign. Last evaluated: 2024-08-06. Review status: criteria provided, single submitter. Criteria: ACMG Guidelines, 2015. Collection method: clinical testing. Allele origin: germline.

GeneDx
Classification: Likely benign. Last evaluated: 2020-07-25. Review status: criteria provided, single submitter. Criteria: GeneDx Variant Classification Process June 2021. Collection method: clinical testing. Allele origin: germline. Affected: yes.

Eurofins Ntd Llc (ga)
Classification: Uncertain significance. Last evaluated: 2016-04-04. Review status: criteria provided, single submitter. Criteria: EGL Classification Definitions 2015. Collection method: clinical testing. Allele origin: germline. Observed: 3 variant alleles, 3 heterozygotes.

PreventionGenetics, part of Exact Sciences
Classification: Likely benign. Review status: criteria provided, single submitter. Criteria: ACMG Guidelines, 2015. Collection method: clinical testing. Allele origin: germline.

NM_002473.6(MYH9):c.2871C>T (p.Ser957=)

Genes: MYH9 (myosin heavy chain 9; minus strand), LOC126863137 (CDK7 strongly-dependent group 2 enhancer GRCh37_chr22:36696002-36697201; plus strand). Cytogenetic location: 22q12.3.
Variant type: single nucleotide variant.
Coding change: c.2871C>T on transcript NM_002473.6 (MANE Select); coding-DNA position 2871, C replaced by T.
Protein change: p.Ser957=; no amino-acid change (serine 957 retained).
Molecular consequence: synonymous variant.
Genome position (GRCh38, 1-based): chr22:36,300,232, G>A on the plus strand (C>T on the coding strand, the complement: MYH9 is on the minus strand). VCF-style: chr22-36300232-G-A. GRCh37 (hg19) VCF-style: chr22-36696278-G-A.
Identifiers: ClinVar variation 258737 (VCV000258737.28), dbSNP rs374840260, ClinGen allele CA10209827.